The following is an entry in ClinVar:

ClinVar aggregate classification (germline): Uncertain significance (1 of 4 stars; one submission).

gnomAD v4.1: 1 of 1,613,946 alleles (0.000062%); highest among the groups gnomAD compares: Non-Finnish European, 0.000085%; no homozygotes.

Submission:

GeneDx
Classification: Uncertain significance. Last evaluated: 2026-03-12. Review status: criteria provided, single submitter. Criteria: GeneDx Variant Classification Process June 2021. Collection method: clinical testing. Allele origin: germline.
Comment: Not observed at significant frequency in large population cohorts (gnomAD); In silico analysis supports that this missense variant has a deleterious effect on protein structure/function; Has not been previously published as pathogenic or benign to our knowledge

NM_002474.3(MYH11):c.3017A>T (p.Glu1006Val)

Gene: MYH11 (myosin heavy chain 11; minus strand). Cytogenetic location: 16p13.11.
Variant type: single nucleotide variant.
Coding change: c.3017A>T on transcript NM_002474.3 (MANE Select); coding-DNA position 3017, A replaced by T.
Protein change: p.Glu1006Val; replaces glutamic acid 1006 with valine.
Molecular consequence: missense variant.
Genome position (GRCh38, 1-based): chr16:15,738,669, T>A on the plus strand (A>T on the coding strand, the complement: MYH11 is on the minus strand). VCF-style: chr16-15738669-T-A. GRCh37 (hg19) VCF-style: chr16-15832526-T-A.
Other names: c.3038A>T, p.Glu1013Val (NM_001040113.2, NM_001040114.2); c.3017A>T, p.Glu1006Val (NM_022844.3); short protein forms E1006V, E1013V.
Identifiers: ClinVar variation 5009100 (VCV005009100.1).